The following is an entry in ClinVar:

NM_000368.5(TSC1):c.346T>G (p.Leu116Val)

Gene: TSC1 (TSC complex subunit 1; minus strand). Cytogenetic location: 9q34.13.
Variant type: single nucleotide variant.
Coding change: c.346T>G on transcript NM_000368.5 (MANE Select); coding-DNA position 346, T replaced by G.
Protein change: p.Leu116Val; replaces leucine 116 with valine.
Molecular consequence: missense variant. On other transcripts: 5 prime UTR variant (1), intron variant (1).
Genome position (GRCh38, 1-based): chr9:132,925,604, A>C on the plus strand (T>G on the coding strand, the complement: TSC1 is on the minus strand). VCF-style: chr9-132925604-A-C. GRCh37 (hg19) VCF-style: chr9-135800991-A-C.
Other names: p.L116V:TTA>GTA; c.346T>G, p.Leu116Val (NM_001162426.2); c.-18T>G (NM_001362177.2); c.210+1597T>G (NM_001162427.2); short protein forms L116V.
Identifiers: ClinVar variation 64814 (VCV000064814.81), dbSNP rs199620268, ClinGen allele CA007386.
Genomic context (GRCh38, chr9:132,925,604, plus strand): 5'-TACTCATAAAACCATTTCATTCAAATCCTTACAAACATCCTACCTTGAGACATTTTAGTA[A>C]AGAAGGCAAAAGAGGTGCTTGAGAGAGCTTATGCTTCCAAGATGGCTGCAGTCTTATGAC-3'
Protein context (NP_000359.1, residues 106-126): KLSQAPLLPS[Leu116Val]LKCLKMDTDV

ClinVar aggregate classification (germline): Conflicting classifications of pathogenicity. Review status: criteria provided, conflicting classifications (1 of 4 stars). 22 submissions from 20 submitters: Uncertain significance (1); Benign (7); Likely benign (9). 5 of the submissions do not count toward it. Last evaluated 2026-02-03.

Conditions:
TSC1-related disorder. Also called: TSC1-related condition.
Hereditary cancer-predisposing syndrome. Also called: Hereditary Cancer Syndrome; Tumor predisposition; Neoplastic Syndromes, Hereditary; Hereditary neoplastic syndrome. Identifiers: Orphanet 140162, MedGen C0027672, MeSH D009386, MONDO:0015356.
Lymphangiomyomatosis (LAM). Also called: Lymphangioleiomyomatosis; Lymphangioleiomyomatosis, somatic. Identifiers: Orphanet 538, MedGen C0751674, MONDO:0011705, OMIM 606690.
Isolated focal cortical dysplasia type II (FCORD2). Also called: CORTICAL DYSPLASIA OF TAYLOR; Focal cortical dysplasia type II. Identifiers: Orphanet 268994, MedGen C1846385, MONDO:0011818, OMIM 607341, HP:0032051.
Tuberous sclerosis 1 (TSC1). Identifiers: Orphanet 805, MedGen C1854465, MONDO:0008612, OMIM 191100.
Tuberous sclerosis syndrome (TSC). Also called: Tuberous Sclerosis Complex; Tuberous sclerosis. Identifiers: Orphanet 805, MedGen C0041341, MONDO:0001734.
Autism spectrum disorder. Also called: Autism spectrum disorders. Identifiers: MedGen C1510586, MeSH D000067877, MONDO:0005258.

Allele frequency attached by ClinVar (database versions not stated): gnomAD 0.00030 and 0.00029; ExAC 0.00031; gnomAD exomes 0.00038 and 0.00048; 1000 Genomes Project 0.00040; 1000 Genomes Project 30x 0.00047; ESP Exome Variant Server 0.00015; TOPMed 0.00021.
gnomAD v4.1: 743 of 1,614,226 alleles (0.046%); highest among the groups gnomAD compares: Non-Finnish European, 0.054%; no homozygotes.

Submissions (22):

Labcorp Genetics (formerly Invitae), Labcorp
Classification: Benign for Tuberous sclerosis 1. Last evaluated: 2026-02-03. Review status: criteria provided, single submitter. Criteria: Invitae Variant Classification Sherloc (09022015). Collection method: clinical testing. Allele origin: germline.

Myriad Genetics, Inc.
Classification: Likely benign for Tuberous sclerosis 1. Last evaluated: 2025-04-08. Review status: criteria provided, single submitter. Criteria: Myriad Autosomal Dominant, Autosomal Recessive and X-Linked Classification Criteria (2023). Collection method: clinical testing. Allele origin: unknown.
Comment: This variant is considered likely benign. This variant has been observed at a population frequency that is significantly greater than expected given the associated disease prevalence and penetrance.

Blueprint Genetics
Classification: Likely benign. Last evaluated: 2024-11-22. Review status: criteria provided, single submitter. Criteria: ACMG Guidelines, 2015. Collection method: clinical testing. Allele origin: germline.

All of Us Research Program, National Institutes of Health
Classification: Benign for Tuberous sclerosis syndrome. Last evaluated: 2024-02-05. Review status: criteria provided, single submitter. Criteria: ACMG Guidelines, 2015. Collection method: clinical testing. Allele origin: germline. Inheritance: Autosomal dominant inheritance. Observed: 67 variant alleles, 67 heterozygotes.
Comment: This study involves interpretation of variants in research participants for the purpose of population health screening. Participant phenotype was not available at the time of variant classification. Additional details can be found in publication PMID: 35346344, PMCID: PMC8962531

Department of Pathology and Laboratory Medicine, Sinai Health System
Classification: Likely benign for Tuberous sclerosis 1; Lymphangiomyomatosis; Isolated focal cortical dysplasia type II. Last evaluated: 2023-02-23. Review status: criteria provided, single submitter. Criteria: ACMG Guidelines, 2015. Collection method: clinical testing. Allele origin: germline. Affected: yes.

Women's Health and Genetics/Laboratory Corporation of America, LabCorp
Classification: Likely benign. Last evaluated: 2023-01-12. Review status: criteria provided, single submitter. Criteria: LabCorp Variant Classification Summary - May 2015. Collection method: clinical testing. Allele origin: germline.
Comment: Variant summary: TSC1 c.346T>G (p.Leu116Val) results in a conservative amino acid change in the encoded protein sequence. Three of five in-silico tools predict a damaging effect of the variant on protein function. The variant allele was found at a frequency of 0.00038 in 251236 control chromosomes (gnomAD). The observed variant frequency is approximately 15 fold of the estimated maximal expected allele frequency for a pathogenic variant in TSC1 causing Tuberous Sclerosis Complex phenotype (2.5e-05), strongly suggesting that the variant is benign. c.346T>G has been reported in the literature in an individual with, or suspected of having, Tuberous Sclerosis Complex without strong evidence for causality (Hoogeveen-Westerveld_2011). This same report included an in vitro study which showed the variant did not have a significantly higher T389/S6K ratio than wild-type TSC1-TSC2, however TORC1 activity was estimated, not measured, and therefore this report is only indirect evidence for the benign nature of the variant. Eleven submitters have provided clinical-significance assessments for this variant to ClinVar after 2014 with conflicting assessments, classifying the variant as either benign (n=4)/likely benign (n=5), or VUS (n=2). Based on the evidence outlined above, the variant was classified as likely benign.

Color Diagnostics, LLC DBA Color Health
Classification: Benign for Tuberous sclerosis syndrome. Last evaluated: 2022-05-17. Review status: criteria provided, single submitter. Criteria: ACMG Guidelines, 2015. Collection method: clinical testing. Allele origin: germline.

Genome-Nilou Lab
Classification: Benign for Tuberous sclerosis 1. Last evaluated: 2021-11-07. Review status: criteria provided, single submitter. Criteria: ACMG Guidelines, 2015. Collection method: clinical testing. Allele origin: germline. Affected: no.

Institute for Clinical Genetics, University Hospital TU Dresden, University Hospital TU Dresden
Classification: Likely benign. Last evaluated: 2021-11-03. Review status: criteria provided, single submitter. Criteria: ACMG Guidelines, 2015. Collection method: clinical testing. Allele origin: germline.

Sema4
Classification: Likely benign for Hereditary cancer-predisposing syndrome. Last evaluated: 2020-12-03. Review status: criteria provided, single submitter. Criteria: Sema4 Curation Guidelines. Collection method: curation. Allele origin: germline.

Ambry Genetics
Classification: Likely benign for Hereditary cancer-predisposing syndrome. Last evaluated: 2019-03-28. Review status: criteria provided, single submitter. Criteria: Ambry Variant Classification Scheme 2023. Collection method: clinical testing. Allele origin: germline.

CeGaT Center for Human Genetics Tuebingen
Classification: Likely benign. Last evaluated: 2019-03-01. Review status: criteria provided, single submitter. Criteria: CeGaT Center For Human Genetics Tuebingen Variant Classification Criteria Version 2. Collection method: clinical testing. Allele origin: germline. Affected: yes. Observed: 1 variant allele.

Illumina Laboratory Services, Illumina
Classification: Benign for Isolated focal cortical dysplasia type II. Last evaluated: 2018-01-13. Review status: criteria provided, single submitter. Criteria: ICSL Variant Classification Criteria 13 December 2019. Collection method: clinical testing. Allele origin: germline.
Comment: This variant was observed in the ICSL laboratory as part of a predisposition screen in an ostensibly healthy population. It had not been previously curated by ICSL or reported in the Human Gene Mutation Database (HGMD: prior to June 1st, 2018), and was therefore a candidate for classification through an automated scoring system. Utilizing variant allele frequency, disease prevalence and penetrance estimates, and inheritance mode, an automated score was calculated to assess if this variant is too frequent to cause the disease. Based on the score and internal cut-off values, a variant classified as benign is not then subjected to further curation. The score for this variant resulted in a classification of benign for this disease.

Illumina Laboratory Services, Illumina
Classification: Likely benign for Tuberous sclerosis 1. Last evaluated: 2018-01-13. Review status: criteria provided, single submitter. Criteria: ICSL Variant Classification Criteria 13 December 2019. Collection method: clinical testing. Allele origin: germline.
Comment: This variant was observed in the ICSL laboratory as part of a predisposition screen in an ostensibly healthy population. It had not been previously curated by ICSL or reported in the Human Gene Mutation Database (HGMD: prior to June 1st, 2018), and was therefore a candidate for classification through an automated scoring system. Utilizing variant allele frequency, disease prevalence and penetrance estimates, and inheritance mode, an automated score was calculated to assess if this variant is too frequent to cause the disease. Based on the score and internal cut-off values, a variant classified as likely benign is not then subjected to further curation. The score for this variant resulted in a classification of likely benign for this disease.

GeneDx
Classification: Benign. Last evaluated: 2016-09-21. Review status: criteria provided, single submitter. Criteria: GeneDx Variant Classification (06012015). Collection method: clinical testing. Allele origin: germline. Affected: yes.
Comment: This variant is considered likely benign or benign based on one or more of the following criteria: it is a conservative change, it occurs at a poorly conserved position in the protein, it is predicted to be benign by multiple in silico algorithms, and/or has population frequency not consistent with disease.

Eurofins Ntd Llc (ga)
Classification: Uncertain significance. Last evaluated: 2016-03-08. Review status: criteria provided, single submitter. Criteria: EGL Classification Definitions 2015. Collection method: clinical testing. Allele origin: germline. Observed: 1 variant allele, 1 heterozygote.

Quest Diagnostics Nichols Institute San Juan Capistrano
Classification: Benign. Last evaluated: 2015-04-15. Review status: criteria provided, single submitter. Criteria: Quest Diagnostics criteria. Collection method: clinical testing. Allele origin: unknown.

PreventionGenetics, part of Exact Sciences
Classification: Likely benign for TSC1-related condition. Last evaluated: 2019-06-30. Review status: no assertion criteria provided. Collection method: clinical testing. Allele origin: germline. Not counted in ClinVar's aggregate classification.
Comment: This variant is classified as likely benign based on ACMG/AMP sequence variant interpretation guidelines (Richards et al. 2015 PMID: 25741868, with internal and published modifications).

CSER _CC_NCGL, University of Washington
Classification: Uncertain significance for Tuberous sclerosis complex. Last evaluated: 2016-08-01. Review status: no assertion criteria provided. Collection method: research. Allele origin: germline. Inheritance: Autosomal dominant inheritance. Study: CSER - NEXT Medicine variant annotation. Not counted in ClinVar's aggregate classification.

ITMI
No classification provided. Condition: AllHighlyPenetrant. Last evaluated: 2013-09-19. Review status: no classification provided. Collection method: reference population. Allele origin: germline. Not counted in ClinVar's aggregate classification.
Comment: Please see associated publication for description of ethnicities

Tuberous sclerosis database (TSC1)
No classification provided. Condition: TSC. Review status: no classification provided. Criteria: Tuberous Sclerosis Database Assertion Criteria 2015. Collection method: curation. Allele origin: germline. Affected: yes. Not counted in ClinVar's aggregate classification.

Tuberous sclerosis database (TSC1)
No classification provided. Condition: ASD. Review status: no classification provided. Criteria: Tuberous Sclerosis Database Assertion Criteria 2015. Collection method: curation. Allele origin: germline. Affected: yes. Not counted in ClinVar's aggregate classification.

Literature cited by the submitters: PubMed 21309039 (cited by 4 submitters); PubMed 23514105 (cited by Ambry Genetics and Quest Diagnostics Nichols Institute San Juan Capistrano); PubMed 23857276 (cited by Ambry Genetics and Quest Diagnostics Nichols Institute San Juan Capistrano); PubMed 24728327 (cited by Quest Diagnostics Nichols Institute San Juan Capistrano and ITMI).